The following is an entry in ClinVar:

ClinVar aggregate classification (germline): Uncertain significance. Review status: criteria provided, multiple submitters, no conflicts (2 of 4 stars). 2 submissions from 2 submitters: Uncertain significance (2). Last evaluated 2023-06-02.

Allele frequency attached by ClinVar (database versions not stated): TOPMed 0.00001.
gnomAD v4.1: 3 of 1,614,256 alleles (0.00019%); highest among the groups gnomAD compares: Non-Finnish European, 0.00025%; no homozygotes.

Submissions (2):

Blueprint Genetics
Classification: Uncertain significance. Last evaluated: 2023-06-02. Review status: criteria provided, single submitter. Criteria: ACMG Guidelines, 2015. Collection method: clinical testing. Allele origin: germline.

Labcorp Genetics (formerly Invitae), Labcorp
Classification: Uncertain significance. Last evaluated: 2022-03-14. Review status: criteria provided, single submitter. Criteria: Invitae Variant Classification Sherloc (09022015). Collection method: clinical testing. Allele origin: germline.
Comment: This variant has not been reported in the literature in individuals affected with C1S-related conditions. Algorithms developed to predict the effect of missense changes on protein structure and function are either unavailable or do not agree on the potential impact of this missense change (SIFT: "Deleterious"; PolyPhen-2: "Probably Damaging"; Align-GVGD: "Class C0"). In summary, the available evidence is currently insufficient to determine the role of this variant in disease. Therefore, it has been classified as a Variant of Uncertain Significance. This sequence change replaces tyrosine, which is neutral and polar, with cysteine, which is neutral and slightly polar, at codon 610 of the C1S protein (p.Tyr610Cys). This variant is not present in population databases (gnomAD no frequency).

NM_001734.5(C1S):c.1829A>G (p.Tyr610Cys)

Gene: C1S (complement C1s; plus strand). Cytogenetic location: 12p13.31.
Variant type: single nucleotide variant.
Coding change: c.1829A>G on transcript NM_001734.5 (MANE Select); coding-DNA position 1829, A replaced by G.
Protein change: p.Tyr610Cys; replaces tyrosine 610 with cysteine.
Molecular consequence: missense variant.
Genome position (GRCh38, 1-based): chr12:7,070,413, A>G. VCF-style: chr12-7070413-A-G. GRCh37 (hg19) VCF-style: chr12-7177717-A-G.
Other names: c.1328A>G, p.Tyr443Cys (NM_001346850.2); c.1829A>G, p.Tyr610Cys (NM_201442.4); short protein forms Y443C, Y610C.
Identifiers: ClinVar variation 1908636 (VCV001908636.6), dbSNP rs781913096, ClinGen allele CA383707269.